The following is an entry in ClinVar:

ClinVar aggregate classification (germline): Uncertain significance (1 of 4 stars; one submission).

Submission:

Labcorp Genetics (formerly Invitae), Labcorp
Classification: Uncertain significance. Last evaluated: 2025-05-15. Review status: criteria provided, single submitter. Criteria: Invitae Variant Classification Sherloc (09022015). Collection method: clinical testing. Allele origin: germline.
Comment: This variant, c.357_389del, results in the deletion of 11 amino acid(s) of the HOXA13 protein (p.Ala123_Ala133del), but otherwise preserves the integrity of the reading frame. The frequency data for this variant in the population databases is considered unreliable, as metrics indicate poor data quality at this position in the gnomAD database. This variant has not been reported in the literature in individuals affected with HOXA13-related conditions. ClinVar contains an entry for this variant (Variation ID: 1439548). Experimental studies and prediction algorithms are not available or were not evaluated, and the functional significance of this variant is currently unknown. In summary, the available evidence is currently insufficient to determine the role of this variant in disease. Therefore, it has been classified as a Variant of Uncertain Significance.

NM_000522.5(HOXA13):c.357_389del (p.Ala123_Ala133del)

Genes: HOXA13 (homeobox A13; minus strand), LOC107126288 (NUP98-HOXA13 recombination region; plus strand). Cytogenetic location: 7p15.2.
Variant type: Deletion.
Coding change: c.357_389del on transcript NM_000522.5 (MANE Select); coding-DNA positions 357 to 389, 33 bases deleted.
Protein change: p.Ala123_Ala133del.
Molecular consequence: inframe deletion.
Genome position (GRCh38, 1-based): chr7:27,199,689-27,199,721, 33 bases deleted; deleting any 33 consecutive bases within chr7:27,199,689-27,199,729 gives the same sequence; the c. name uses the placement nearest the transcript's 3' end. GRCh37 (hg19): chr7:27,239,316-27,239,348.
Identifiers: ClinVar variation 1439548 (VCV001439548.6), dbSNP rs1296695190, ClinGen allele CA573759154.